The following is an entry in ClinVar:

NM_032634.4(PIGO):c.2881C>T (p.Pro961Ser)

Gene: PIGO (phosphatidylinositol glycan anchor biosynthesis class O; minus strand). Cytogenetic location: 9p13.3.
Variant type: single nucleotide variant.
Coding change: c.2881C>T on transcript NM_032634.4 (MANE Select); coding-DNA position 2881, C replaced by T.
Protein change: p.Pro961Ser; replaces proline 961 with serine.
Molecular consequence: missense variant.
Genome position (GRCh38, 1-based): chr9:35,090,254, G>A on the plus strand (C>T on the coding strand, the complement: PIGO is on the minus strand). VCF-style: chr9-35090254-G-A. GRCh37 (hg19) VCF-style: chr9-35090251-G-A.
Other names: c.1630C>T, p.Pro544Ser (NM_001201484.2, NM_152850.4); short protein forms P544S, P961S.
Identifiers: ClinVar variation 844322 (VCV000844322.9), dbSNP rs771759492, ClinGen allele CA373317975.

ClinVar aggregate classification (germline): Uncertain significance (1 of 4 stars; one submission).

Conditions:
Hyperphosphatasia with impaired intellectual development syndrome 2. Also called: Hyperphosphatasia with intellectual disability syndrome 2; GLYCOSYLPHOSPHATIDYLINOSITOL BIOSYNTHESIS DEFECT 6. Identifiers: Orphanet 247262, MedGen C3553637, MONDO:0013882, OMIM 614749.

Submission:

Labcorp Genetics (formerly Invitae), Labcorp
Classification: Uncertain significance for Hyperphosphatasia with impaired intellectual development syndrome 2. Last evaluated: 2022-10-15. Review status: criteria provided, single submitter. Criteria: Invitae Variant Classification Sherloc (09022015). Collection method: clinical testing. Allele origin: germline.
Comment: This variant is not present in population databases (gnomAD no frequency). In summary, the available evidence is currently insufficient to determine the role of this variant in disease. Therefore, it has been classified as a Variant of Uncertain Significance. Advanced modeling of protein sequence and biophysical properties (such as structural, functional, and spatial information, amino acid conservation, physicochemical variation, residue mobility, and thermodynamic stability) performed at Invitae indicates that this missense variant is not expected to disrupt PIGO protein function. ClinVar contains an entry for this variant (Variation ID: 844322). This variant has not been reported in the literature in individuals affected with PIGO-related conditions. This sequence change replaces proline, which is neutral and non-polar, with serine, which is neutral and polar, at codon 961 of the PIGO protein (p.Pro961Ser).